The following is an entry in ClinVar:

NM_000520.6(HEXA):c.1495C>T (p.Arg499Cys)

Gene: HEXA (hexosaminidase subunit alpha; minus strand). Cytogenetic location: 15q23.
Variant type: single nucleotide variant.
Coding change: c.1495C>T on transcript NM_000520.6 (MANE Select); coding-DNA position 1495, C replaced by T.
Protein change: p.Arg499Cys; replaces arginine 499 with cysteine.
Molecular consequence: missense variant. On other transcripts: non-coding transcript variant (1).
Genome position (GRCh38, 1-based): chr15:72,345,477, G>A on the plus strand (C>T on the coding strand, the complement: HEXA is on the minus strand). VCF-style: chr15-72345477-G-A. GRCh37 (hg19) VCF-style: chr15-72637818-G-A.
Other names: c.1528C>T, p.Arg510Cys (NM_001318825.2); c.1495C>T (NM_000520.5); short protein forms R499C, R510C.
Identifiers: ClinVar variation 3915 (VCV000003915.25), dbSNP rs121907966, ClinGen allele CA116504.

ClinVar aggregate classification (germline): Pathogenic. Review status: criteria provided, multiple submitters, no conflicts (2 of 4 stars). 9 submissions from 9 submitters: Pathogenic (6). 3 of the submissions do not count toward it. Last evaluated 2025-09-07.

Conditions:
HEXA-related disorder. Also called: HEXA-related condition.
Inborn genetic diseases. Identifiers: MedGen C0950123, MeSH D030342.
GM2-gangliosidosis, adult-onset. Identifiers: MedGen C4310893.
Tay-Sachs disease (TSD). Also called: Hexosaminidase A Deficiency; HEXA Disorders; HEXA DEFICIENCY; GM2 gangliosidosis, type 1; Hexosaminidase alpha-subunit deficiency (variant B); Sphingolipidosis, Tay-Sachs. Identifiers: Orphanet 845, MedGen C0039373, MONDO:0010100, OMIM 272800.

Allele frequency attached by ClinVar (database versions not stated): gnomAD exomes below 0.00001 and 0.00001; gnomAD 0.00001; TOPMed 0.00002.
gnomAD v4.1: 17 of 1,614,090 alleles (0.0011%); highest among the groups gnomAD compares: African/African-American, 0.0053%; no homozygotes.

Submissions (9):

Natera, Inc.
Classification: Pathogenic for Tay-Sachs disease. Last evaluated: 2025-09-07. Review status: criteria provided, single submitter. Criteria: Natera Variant Classification Schema (03/2026). Collection method: clinical testing. Allele origin: germline.
Comment: The c.1495C>T variant in HEXA is a missense variant predicted to cause substitution of arginine to cysteine at amino acid 499. This variant is rare in the general population with a frequency below the threshold expected for the associated phenotype(s). This variant has been observed in one or more individuals affected with the associated recessive disease, as either homozygous or compound heterozygous with a second variant (PMID: 22789865, 16088929). Given the available evidence, this variant is classified as Pathogenic.

PreventionGenetics, part of Exact Sciences
Classification: Pathogenic for HEXA-related condition. Last evaluated: 2025-01-17. Review status: criteria provided, single submitter. Criteria: ACMG Guidelines, 2015. Collection method: clinical testing. Allele origin: germline.
Comment: The HEXA c.1495C>T variant is predicted to result in the amino acid substitution p.Arg499Cys. This variant has been reported in the homozygous and compound heterozygous states in multiple individuals with autosomal recessive GM2-gangliosidosis (Tay-Sachs disease) (for example, see Mules et al. 1992. PubMed ID: 1532289; Montalvo et al. 2005. PubMed ID: 16088929; King et al. 2020. PubMed ID: 33240792). This variant is reported in 0.0029% of alleles in individuals of Latino descent in gnomAD. Another missense substitution at the same amino acid (p.Arg499His) has also been reported as disease-causing in multiple individuals with Tay-Sachs disease (Paw et al. 1990. PubMed ID: 2140574; Maegawa et al. 2006. PubMed ID: 17015493). Taken together, the p.Arg499Cys variant is interpreted as pathogenic.

Labcorp Genetics (formerly Invitae), Labcorp
Classification: Pathogenic for Tay-Sachs disease. Last evaluated: 2024-01-03. Review status: criteria provided, single submitter. Criteria: Invitae Variant Classification Sherloc (09022015). Collection method: clinical testing. Allele origin: germline.
Comment: This sequence change replaces arginine, which is basic and polar, with cysteine, which is neutral and slightly polar, at codon 499 of the HEXA protein (p.Arg499Cys). This variant is present in population databases (rs121907966, gnomAD no frequency). This missense change has been observed in individual(s) with Tay-Sachs disease (PMID: 14577003, 17237499). ClinVar contains an entry for this variant (Variation ID: 3915). Advanced modeling of protein sequence and biophysical properties (such as structural, functional, and spatial information, amino acid conservation, physicochemical variation, residue mobility, and thermodynamic stability) performed at Invitae indicates that this missense variant is expected to disrupt HEXA protein function with a positive predictive value of 95%. This variant disrupts the p.Arg499 amino acid residue in HEXA. Other variant(s) that disrupt this residue have been determined to be pathogenic (PMID: 14577003, 17237499). This suggests that this residue is clinically significant, and that variants that disrupt this residue are likely to be disease-causing. For these reasons, this variant has been classified as Pathogenic.

Illumina Laboratory Services, Illumina
Classification: Pathogenic for Tay-Sachs disease. Last evaluated: 2019-01-15. Review status: criteria provided, single submitter. Criteria: ICSLVariantClassificationCriteria RUGD 01 April 2020. Collection method: clinical testing. Allele origin: unknown.
Comment: The HEXA c.1495C>T (p.Arg499Cys) variant is a well-described missense variant. Across a selection of the available literature, it has been reported in five unrelated individuals with hexosaminidase A deficiency, including in a homozygous state in one infantile case and in a compound heterozygous state in three infantile/late infantile cases and one adult-onset case (Mules et al. 1992; Akli et al. 1993; Tanaka et al. 2003; Maegawa et al. 2006; Gort et al. 2012). The p.Arg499Cys variant is reported at a frequency of 0.000029 in the Latino population of the Genome Aggregation Database, but this frequency is based on one allele only in a region of good sequencing coverage. The variant is therefore presumed to be rare. Functional studies of the variant have not been conducted, but the variant affects a CpG dinucleotide, and another missense change at the same position has also been shown to be pathogenic. Based on the collective evidence, the p.Arg499Cys variant is classified as pathogenic for hexosaminidase A deficiency.

Women's Health and Genetics/Laboratory Corporation of America, LabCorp
Classification: Pathogenic for Tay-Sachs disease. Last evaluated: 2016-09-29. Review status: criteria provided, single submitter. Criteria: LabCorp Variant Classification Summary - May 2015. Collection method: clinical testing. Allele origin: germline.
Comment: Variant summary: The HEXA c.1495C>T (p.Arg499Cys) variant involves the alteration of a conserved nucleotide. 5/5 in silico tools predict a damaging outcome for this variant. This variant is absent from 121370 control chromosomes, but has been reported in numerous infantile and late-onset Tay-Sachs patients. In addition, multiple clinical diagnostic laboratories/reputable databases classified this variant as pathogenic/likely pathogenic. Taken together, this variant is classified as pathogenic.

Ambry Genetics
Classification: Pathogenic for Inborn genetic diseases. Last evaluated: 2015-03-31. Review status: criteria provided, single submitter. Criteria: Ambry Variant Classification Scheme 2023. Collection method: clinical testing. Allele origin: germline.
Comment: The p.R499C pathogenic mutation (also known as c.1495C>T), located in coding exon 13 of the HEXA gene, results from a C to T substitution at nucleotide position 1495. The arginine at codon 499 is replaced by cysteine, an amino acid with highly dissimilar properties. The phase of the two alterations was not disclosed. (Tanaka A, J. Hum. Genet. 2003 ; 48(11):571-4). Two further patients who were found homozygous with this mutation presented with severe acute infantile Tay-Sachs disease (Gort L, Gene 2012 Sep; 506(1):25-30, Montalvo AL, Hum. Mutat. 2005 Sep; 26(3):282). Based on the clinical evidence, p.R499C is interpreted as a disease-causing mutation.

Foundation for Research in Genetics and Endocrinology, FRIGE's Institute of Human Genetics
Classification: Pathogenic for Tay-Sachs disease. Last evaluated: 2014-11-14. Review status: no assertion criteria provided. Collection method: research. Allele origin: germline. Inheritance: Autosomal recessive inheritance. Affected: yes. Observed: 1 homozygote. Not counted in ClinVar's aggregate classification.

Counsyl
Classification: Likely pathogenic for Tay-Sachs disease. Last evaluated: 2014-10-21. Review status: no assertion criteria provided. Collection method: literature only. Allele origin: unknown. Inheritance: Autosomal recessive inheritance. Not counted in ClinVar's aggregate classification.

OMIM
Classification: Pathogenic for GM2-GANGLIOSIDOSIS, ADULT-ONSET. Last evaluated: 2003-01-01. Review status: no assertion criteria provided. Collection method: literature only. Allele origin: germline. Not counted in ClinVar's aggregate classification.

Literature cited by the submitters: PubMed 22789865 (cited by 5 submitters); PubMed 16088929 (cited by 4 submitters); PubMed 14577003 (cited by Labcorp Genetics (formerly Invitae), Labcorp); PubMed 17237499 (cited by Labcorp Genetics (formerly Invitae), Labcorp and Counsyl); PubMed 14566483 (cited by 4 submitters); PubMed 1532289 (cited by 6 submitters); PubMed 17015493 (cited by 3 submitters); PubMed 8490625 (cited by 4 submitters); PubMed 18490185 (cited by Women's Health and Genetics/Laboratory Corporation of America, LabCorp and Counsyl).